The following is an entry in ClinVar:

NM_020442.6(VARS2):c.755G>A (p.Gly252Asp)

Gene: VARS2 (valyl-tRNA synthetase 2, mitochondrial; plus strand). Cytogenetic location: 6p21.33.
Variant type: single nucleotide variant.
Coding change: c.755G>A on transcript NM_020442.6 (MANE Select); coding-DNA position 755, G replaced by A.
Protein change: p.Gly252Asp; replaces glycine 252 with aspartic acid.
Molecular consequence: missense variant.
Genome position (GRCh38, 1-based): chr6:30,917,106, G>A. VCF-style: chr6-30917106-G-A. GRCh37 (hg19) VCF-style: chr6-30884883-G-A.
Other names: c.335G>A, p.Gly112Asp (NM_001167733.3); c.845G>A, p.Gly282Asp (NM_001167734.2); short protein forms G112D, G282D, G252D.
Identifiers: ClinVar variation 1926313 (VCV001926313.5), dbSNP rs1794224838, ClinGen allele CA363169423.

ClinVar aggregate classification (germline): Uncertain significance (1 of 4 stars; one submission).

Allele frequency attached by ClinVar (database versions not stated): TOPMed below 0.00001.

Submission:

Labcorp Genetics (formerly Invitae), Labcorp
Classification: Uncertain significance. Last evaluated: 2022-07-12. Review status: criteria provided, single submitter. Criteria: Invitae Variant Classification Sherloc (09022015). Collection method: clinical testing. Allele origin: germline.
Comment: This sequence change replaces glycine, which is neutral and non-polar, with aspartic acid, which is acidic and polar, at codon 282 of the VARS2 protein (p.Gly282Asp). This variant is not present in population databases (gnomAD no frequency). This variant has not been reported in the literature in individuals affected with VARS2-related conditions. Algorithms developed to predict the effect of missense changes on protein structure and function (SIFT, PolyPhen-2, Align-GVGD) all suggest that this variant is likely to be tolerated. In summary, the available evidence is currently insufficient to determine the role of this variant in disease. Therefore, it has been classified as a Variant of Uncertain Significance.